The following is an entry in ClinVar:

ClinVar aggregate classification (germline): Likely benign (1 of 4 stars; one submission).

gnomAD v4.1: 17 of 405,864 alleles (0.0042%); highest among the groups gnomAD compares: East Asian, 0.0082%; no homozygotes.

Submission:

CeGaT Center for Human Genetics Tuebingen
Classification: Likely benign. Last evaluated: 2024-09-01. Review status: criteria provided, single submitter. Criteria: CeGaT Center For Human Genetics Tuebingen Variant Classification Criteria Version 2. Collection method: clinical testing. Allele origin: germline. Affected: yes. Observed: 1 variant allele.
Comment: PNMA6E: BS2

NM_001367770.1(PNMA6E):c.487G>A (p.Ala163Thr)

Gene: PNMA6E (PNMA family member 6E; minus strand). Cytogenetic location: Xq28.
Variant type: single nucleotide variant.
Coding change: c.487G>A on transcript NM_001367770.1 (MANE Select); coding-DNA position 487, G replaced by A.
Protein change: p.Ala163Thr; replaces alanine 163 with threonine.
Molecular consequence: missense variant. On other transcripts: intron variant (2).
Genome position (GRCh38, 1-based): chrX:153,398,363, C>T on the plus strand (G>A on the coding strand, the complement: PNMA6E is on the minus strand). VCF-style: chrX-153398363-C-T. GRCh37 (hg19) VCF-style: chrX-152663821-C-T.
Other names: c.143+344G>A (NM_001351293.2, NM_001351294.2); short protein forms A163T.
Identifiers: ClinVar variation 3388852 (VCV003388852.14).
Genomic context (GRCh38, chrX:153,398,363, plus strand): 5'-CACCTGCGCCTCCTGCCTCACCTGCTGCTCCTGCCTCACCTACACCTCCTGCCTCACCTG[C>T]GCCTCCTGCCTCACCTGCTGCTCCTGCCTCACCTGTTGCTCCTGCCTCACCTGTGCCTCC-3'
Protein context (NP_001354699.1, residues 153-173): EAGAAGEAGG[Ala163Thr]GEAGGVGEAG